The following is an entry in ClinVar:

NM_001291303.3(FAT4):c.3012C>A (p.Thr1004=)

Gene: FAT4 (FAT atypical cadherin 4; plus strand). Cytogenetic location: 4q28.1.
Variant type: single nucleotide variant.
Coding change: c.3012C>A on transcript NM_001291303.3 (MANE Select); coding-DNA position 3012, C replaced by A.
Protein change: p.Thr1004=; no amino-acid change (threonine 1004 retained).
Molecular consequence: synonymous variant.
Genome position (GRCh38, 1-based): chr4:125,319,423, C>A. VCF-style: chr4-125319423-C-A. GRCh37 (hg19) VCF-style: chr4-126240578-C-A.
Other names: c.3012C>A, p.Thr1004= (NM_001291285.3, NM_024582.6); c.3012C>A (NM_024582.4).
Identifiers: ClinVar variation 2168666 (VCV002168666.7), dbSNP rs550025709, ClinGen allele CA3072245.

ClinVar aggregate classification (germline): Likely benign. Review status: criteria provided, multiple submitters, no conflicts (2 of 4 stars). 3 submissions from 3 submitters: Likely benign (2). 1 of the submissions does not count toward it. Last evaluated 2025-09-13.

Conditions:
FAT4-related disorder. Also called: FAT4-related condition.

Allele frequency attached by ClinVar (database versions not stated): gnomAD 0.00001; TOPMed 0.00002; ExAC 0.00008; 1000 Genomes Project 30x 0.00016; 1000 Genomes Project 0.00020.
gnomAD v4.1: 66 of 1,613,602 alleles (0.0041%); highest among the groups gnomAD compares: South Asian, 0.067%; no homozygotes.

Submissions (3):

Labcorp Genetics (formerly Invitae), Labcorp
Classification: Likely benign. Last evaluated: 2025-09-13. Review status: criteria provided, single submitter. Criteria: Invitae Variant Classification Sherloc (09022015). Collection method: clinical testing. Allele origin: germline.

Blueprint Genetics
Classification: Likely benign. Last evaluated: 2024-07-09. Review status: criteria provided, single submitter. Criteria: ACMG Guidelines, 2015. Collection method: clinical testing. Allele origin: germline.

PreventionGenetics, part of Exact Sciences
Classification: Likely benign for FAT4-related condition. Last evaluated: 2023-11-03. Review status: no assertion criteria provided. Collection method: clinical testing. Allele origin: germline. Not counted in ClinVar's aggregate classification.
Comment: This variant is classified as likely benign based on ACMG/AMP sequence variant interpretation guidelines (Richards et al. 2015 PMID: 25741868, with internal and published modifications).